The following is an entry in ClinVar:

ClinVar aggregate classification (germline): Likely benign. Review status: criteria provided, multiple submitters, no conflicts (2 of 4 stars). 3 submissions from 3 submitters: Likely benign (3). Last evaluated 2026-06-01.

Conditions:
Hereditary cancer-predisposing syndrome. Also called: Hereditary Cancer Syndrome; Tumor predisposition; Hereditary neoplastic syndrome; Neoplastic Syndromes, Hereditary. Identifiers: Orphanet 140162, MedGen C0027672, MeSH D009386, MONDO:0015356.
Gorlin syndrome. Also called: Nevoid Basal Cell Carcinoma Syndrome; Basal cell nevus syndrome. Identifiers: Orphanet 377, MedGen C0004779, MONDO:0007187.

Submissions (3):

CeGaT Center for Human Genetics Tuebingen
Classification: Likely benign. Last evaluated: 2026-06-01. Review status: criteria provided, single submitter. Criteria: CeGaT Center For Human Genetics Tuebingen Variant Classification Criteria Version 2. Collection method: clinical testing. Allele origin: germline. Affected: yes. Observed: 1 variant allele.
Comment: PTCH1: PM2:Supporting, BP4, BP7

Ambry Genetics
Classification: Likely benign for Hereditary cancer-predisposing syndrome. Last evaluated: 2020-10-14. Review status: criteria provided, single submitter. Criteria: Ambry Variant Classification Scheme 2023. Collection method: clinical testing. Allele origin: germline.

Labcorp Genetics (formerly Invitae), Labcorp
Classification: Likely benign for Gorlin syndrome. Last evaluated: 2019-08-23. Review status: criteria provided, single submitter. Criteria: Invitae Variant Classification Sherloc (09022015). Collection method: clinical testing. Allele origin: germline.

NM_000264.5(PTCH1):c.3823A>C (p.Arg1275=)

Gene: PTCH1 (patched 1; minus strand). Cytogenetic location: 9q22.32.
Variant type: single nucleotide variant.
Coding change: c.3823A>C on transcript NM_000264.5 (MANE Select); coding-DNA position 3823, A replaced by C.
Protein change: p.Arg1275=; no amino-acid change (arginine 1275 retained).
Molecular consequence: synonymous variant. On other transcripts: non-coding transcript variant (1).
Genome position (GRCh38, 1-based): chr9:95,447,433, T>G on the plus strand (A>C on the coding strand, the complement: PTCH1 is on the minus strand). VCF-style: chr9-95447433-T-G. GRCh37 (hg19) VCF-style: chr9-98209715-T-G.
Other names: c.3625A>C, p.Arg1209= (NM_001083602.3); c.3820A>C, p.Arg1274= (NM_001083603.3); c.3370A>C, p.Arg1124= (NM_001083604.3, NM_001083605.3, NM_001083606.3 and 1 more transcripts); c.3667A>C, p.Arg1223= (NM_001354918.2).
Identifiers: ClinVar variation 749360 (VCV000749360.15), dbSNP rs1588512429, ClinGen allele CA466351845.